The following is an entry in ClinVar:

ClinVar aggregate classification (germline): Likely benign (0 of 4 stars; one submission).

Conditions:
PLXNA2-related disorder. Also called: PLXNA2-related condition.

gnomAD v4.1: 38 of 1,614,146 alleles (0.0024%); highest among the groups gnomAD compares: Non-Finnish European, 0.0031%; no homozygotes.

Submission:

PreventionGenetics, part of Exact Sciences
Classification: Likely benign for PLXNA2-related condition. Last evaluated: 2022-08-05. Review status: no assertion criteria provided. Collection method: clinical testing. Allele origin: germline.
Comment: This variant is classified as likely benign based on ACMG/AMP sequence variant interpretation guidelines (Richards et al. 2015 PMID: 25741868, with internal and published modifications).

NM_025179.4(PLXNA2):c.5310C>T (p.Cys1770=)

Gene: PLXNA2 (plexin A2; minus strand). Cytogenetic location: 1q32.2.
Variant type: single nucleotide variant.
Coding change: c.5310C>T on transcript NM_025179.4 (MANE Select); coding-DNA position 5310, C replaced by T.
Protein change: p.Cys1770=; no amino-acid change (cysteine 1770 retained).
Molecular consequence: synonymous variant.
Genome position (GRCh38, 1-based): chr1:208,028,958, G>A on the plus strand (C>T on the coding strand, the complement: PLXNA2 is on the minus strand). VCF-style: chr1-208028958-G-A. GRCh37 (hg19) VCF-style: chr1-208202303-G-A.
Identifiers: ClinVar variation 3356959 (VCV003356959.1).
Genomic context (GRCh38, chr1:208,028,958, plus strand): 5'-GCCCAGCCGGTGCTCTGACGTTGAACAAGAGTCCATGAAGGTCTGGGCCACCACAGAGAG[G>A]CAGGCGTCCGTGATGCTGCCCTTGTGGATGTCAAACACGAACTGGGGGTTCTTAATCACG-3'
Protein context (NP_079455.3, residues 1760-1780): DIHKGSITDA[Cys1770=]LSVVAQTFMD